The following is an entry in ClinVar:

NM_020928.2(ZSWIM6):c.1672G>T (p.Gly558Trp)

Gene: ZSWIM6 (zinc finger SWIM-type containing 6; plus strand). Cytogenetic location: 5q12.1.
Variant type: single nucleotide variant.
Coding change: c.1672G>T on transcript NM_020928.2 (MANE Select); coding-DNA position 1672, G replaced by T.
Protein change: p.Gly558Trp; replaces glycine 558 with tryptophan.
Molecular consequence: missense variant.
Genome position (GRCh38, 1-based): chr5:61,525,958, G>T. VCF-style: chr5-61525958-G-T. GRCh37 (hg19) VCF-style: chr5-60821785-G-T.
Other names: short protein forms G558W.
Identifiers: ClinVar variation 1945186 (VCV001945186.5), dbSNP rs554100724, ClinGen allele CA359943593.

ClinVar aggregate classification (germline): Uncertain significance (1 of 4 stars; one submission).

Submission:

Labcorp Genetics (formerly Invitae), Labcorp
Classification: Uncertain significance. Last evaluated: 2022-05-23. Review status: criteria provided, single submitter. Criteria: Invitae Variant Classification Sherloc (09022015). Collection method: clinical testing. Allele origin: germline.
Comment: Algorithms developed to predict the effect of missense changes on protein structure and function are either unavailable or do not agree on the potential impact of this missense change (SIFT: "Tolerated"; PolyPhen-2: "Possibly Damaging"; Align-GVGD: "Class C0"). In summary, the available evidence is currently insufficient to determine the role of this variant in disease. Therefore, it has been classified as a Variant of Uncertain Significance. This sequence change replaces glycine, which is neutral and non-polar, with tryptophan, which is neutral and slightly polar, at codon 558 of the ZSWIM6 protein (p.Gly558Trp). This variant is not present in population databases (gnomAD no frequency). This variant has not been reported in the literature in individuals affected with ZSWIM6-related conditions.